The following is an entry in ClinVar:

NM_206933.4(USH2A):c.9739+2T>C

Gene: USH2A (usherin; minus strand). Cytogenetic location: 1q41.
Variant type: single nucleotide variant.
Coding change: c.9739+2T>C on transcript NM_206933.4 (MANE Select); the canonical splice donor site of the intron after coding-DNA position 9739, T replaced by C.
Molecular consequence: splice donor variant.
Genome position (GRCh38, 1-based): chr1:215,813,734, A>G on the plus strand (T>C on the coding strand, the complement: USH2A is on the minus strand). VCF-style: chr1-215813734-A-G. GRCh37 (hg19) VCF-style: chr1-215987076-A-G.
Other names: c.9739+2T>C (NM_206933.2).
Identifiers: ClinVar variation 1284349 (VCV001284349.6), dbSNP rs2102792992, ClinGen allele CA344821228.

ClinVar aggregate classification (germline): Likely pathogenic. Review status: criteria provided, single submitter (1 of 4 stars). 3 submissions from 3 submitters: Likely pathogenic (1). 2 of the submissions do not count toward it. Last evaluated 2025-02-10.

Conditions:
Usher syndrome type 2A. Also called: RETINAL DISEASE IN USHER SYNDROME TYPE IIA, MODIFIER OF; USHER SYNDROME, TYPE IIA. Identifiers: Orphanet 231178, Orphanet 886, MedGen C1848634, MONDO:0010169, OMIM 276901.

Submissions (3):

Natera, Inc.
Classification: Likely pathogenic for Usher syndrome type 2A. Last evaluated: 2025-02-10. Review status: criteria provided, single submitter. Criteria: Natera Variant Classification Schema (03/2026). Collection method: clinical testing. Allele origin: germline.
Comment: The c.9739+2T>C variant in USH2A is a canonical splice donor site variant predicted to affect pre-mRNA splicing, which may result in an abnormal transcript and altered protein product. This variant is expected to result in nonsense mediated decay, truncation, or a dysfunctional protein product. This variant is rare in the general population with a frequency below the threshold expected for the associated phenotype(s). Given the available evidence, this variant is classified as Likely Pathogenic.

Clinical Genetics, Academic Medical Center
Classification: Pathogenic. Review status: no assertion criteria provided. Collection method: clinical testing. Allele origin: germline. Affected: yes. Study: VKGL Data-share Consensus. Not counted in ClinVar's aggregate classification.

Joint Genome Diagnostic Labs from Nijmegen and Maastricht, Radboudumc and MUMC+
Classification: Pathogenic. Review status: no assertion criteria provided. Collection method: clinical testing. Allele origin: germline. Affected: yes. Study: VKGL Data-share Consensus. Not counted in ClinVar's aggregate classification.